The following is an entry in ClinVar:

NM_006593.4(TBR1):c.710T>A (p.Leu237Ter)

Gene: TBR1 (T-box brain transcription factor 1; plus strand). Cytogenetic location: 2q24.2.
Variant type: single nucleotide variant.
Coding change: c.710T>A on transcript NM_006593.4 (MANE Select); coding-DNA position 710, T replaced by A.
Protein change: p.Leu237Ter; replaces leucine 237 with a stop codon.
Molecular consequence: nonsense.
Genome position (GRCh38, 1-based): chr2:161,417,693, T>A. VCF-style: chr2-161417693-T-A. GRCh37 (hg19) VCF-style: chr2-162274204-T-A.
Other names: short protein forms L237*.
Identifiers: ClinVar variation 2576077 (VCV002576077.1), dbSNP rs2105278913, ClinGen allele CA349212022.

ClinVar aggregate classification (germline): Likely pathogenic (1 of 4 stars; one submission).

Submission:

Institute for Clinical Genetics, University Hospital TU Dresden, University Hospital TU Dresden
Classification: Likely pathogenic. Last evaluated: 2023-02-03. Review status: criteria provided, single submitter. Criteria: ACMG Guidelines, 2015. Collection method: clinical testing. Allele origin: germline.
Comment: PVS1, PM2_SUP